The following is an entry in ClinVar:

NM_001364905.1(LRBA):c.3689G>A (p.Gly1230Asp)

Gene: LRBA (LPS responsive beige-like anchor protein; minus strand). Cytogenetic location: 4q31.3.
Variant type: single nucleotide variant.
Coding change: c.3689G>A on transcript NM_001364905.1 (MANE Select); coding-DNA position 3689, G replaced by A.
Protein change: p.Gly1230Asp; replaces glycine 1230 with aspartic acid.
Molecular consequence: missense variant.
Genome position (GRCh38, 1-based): chr4:150,852,021, C>T on the plus strand (G>A on the coding strand, the complement: LRBA is on the minus strand). VCF-style: chr4-150852021-C-T. GRCh37 (hg19) VCF-style: chr4-151773173-C-T.
Other names: p.Gly1230Asp; c.3689G>A, p.Gly1230Asp (NM_001199282.3, NM_001367550.1, NM_006726.5); short protein forms G1230D.
Identifiers: ClinVar variation 473174 (VCV000473174.23), dbSNP rs34708681, ClinGen allele CA3103006.
Genomic context (GRCh38, chr4:150,852,021, plus strand): 5'-GCAACATTGGAAACATCCAACTTCGCAATCTTTTGCTCAGAAGAAGCCTCAGAGACACTA[C>T]CATGACAATCATTAATTAATTTGGTTTCTCTAGTGAGGTTAGTTGCTTTCTTCCCTTCCT-3'
Protein context (NP_001351834.1, residues 1220-1240): RETKLINDCH[Gly1230Asp]SVSEASSEQK

ClinVar aggregate classification (germline): Benign. Review status: criteria provided, multiple submitters, no conflicts (2 of 4 stars). 5 submissions from 5 submitters: Benign (5). Last evaluated 2026-01-27.

Conditions:
Combined immunodeficiency due to LRBA deficiency. Also called: Common variable immunodeficiency 8, with autoimmunity. Identifiers: Orphanet 445018, MedGen C3553512, MONDO:0013863, OMIM 614700.

Allele frequency attached by ClinVar (database versions not stated): 1000 Genomes Project 0.00739; 1000 Genomes Project 30x 0.00796; gnomAD 0.00804 and 0.00859; ESP Exome Variant Server 0.00861; TOPMed 0.00899.
gnomAD v4.1: 2,302 of 1,614,080 alleles (0.14%); highest among the groups gnomAD compares: African/African-American, 2.7%; 30 homozygotes.

Submissions (5):

Labcorp Genetics (formerly Invitae), Labcorp
Classification: Benign for Combined immunodeficiency due to LRBA deficiency. Last evaluated: 2026-01-27. Review status: criteria provided, single submitter. Criteria: Invitae Variant Classification Sherloc (09022015). Collection method: clinical testing. Allele origin: germline.

Mayo Clinic Laboratories, Mayo Clinic
Classification: Benign. Last evaluated: 2024-07-22. Review status: criteria provided, single submitter. Criteria: ACMG Guidelines, 2015. Collection method: clinical testing. Allele origin: germline. Observed: 6 variant alleles.
Comment: BS1, BS2

ARUP Laboratories, Molecular Genetics and Genomics, ARUP Laboratories
Classification: Benign for Combined immunodeficiency due to LRBA deficiency. Last evaluated: 2022-02-08. Review status: criteria provided, single submitter. Criteria: ARUP Molecular Germline Variant Investigation Process 2021. Collection method: clinical testing. Allele origin: germline.

Genetic Services Laboratory, University of Chicago
Classification: Benign. Last evaluated: 2020-03-06. Review status: criteria provided, single submitter. Criteria: ACMG Guidelines, 2015. Collection method: clinical testing. Allele origin: germline. Affected: no.

Breakthrough Genomics
Classification: Benign. Review status: criteria provided, single submitter. Criteria: ACMG Guidelines, 2015. Collection method: not provided. Allele origin: germline. Inheritance: Autosomal recessive inheritance. Affected: yes.